The following is an entry in ClinVar:

ClinVar aggregate classification (germline): Likely benign (0 of 4 stars; one submission).

Conditions:
NUP214-related disorder. Also called: NUP214-related disorders; NUP214-related condition.

Submission:

PreventionGenetics, part of Exact Sciences
Classification: Likely benign for NUP214-related condition. Last evaluated: 2019-04-30. Review status: no assertion criteria provided. Collection method: clinical testing. Allele origin: germline.
Comment: This variant is classified as likely benign based on ACMG/AMP sequence variant interpretation guidelines (Richards et al. 2015 PMID: 25741868, with internal and published modifications).

NM_005085.4(NUP214):c.1006-4_1006-3dup

Gene: NUP214 (nucleoporin 214; plus strand). Cytogenetic location: 9q34.13.
Variant type: Duplication.
Coding change: c.1006-4_1006-3dup on transcript NM_005085.4 (MANE Select); 4 bases into the intron before coding-DNA position 1006 through 3 bases into the intron before coding-DNA position 1006, 2 bases duplicated (TT; older notation c.1006-4_1006-3dupTT).
Molecular consequence: intron variant.
Genome position (GRCh38, 1-based): chr9:131,139,277-131,139,278, TT duplicated; duplicating any 2 consecutive bases within chr9:131,139,256-131,139,278 gives the same sequence; the c. name uses the placement nearest the transcript's 3' end. VCF-style (leftmost placement, unchanged base first): chr9-131139255-C-CTT. GRCh37 (hg19) VCF-style: chr9-134014642-C-CTT.
Other names: c.1006-4_1006-3dup (NM_001318324.2).
Identifiers: ClinVar variation 3057063 (VCV003057063.2), dbSNP rs200377608, ClinGen allele CA5288891.
Genomic context (GRCh38, chr9:131,139,255, plus strand): 5'-TAGGAGGAACCAATGCAAAGCTCTAACCAACATGGCTTTTTCTTTTTTCTTCTTCTTCTT[C>CTT]TTTTTTTTTTTTTTTTTTTTTTTAGATTAATTGGGAATCTTGGCTACTGGAGGATTCTAG-3'